The following is an entry in ClinVar:

ClinVar aggregate classification (germline): Uncertain significance. Review status: criteria provided, multiple submitters, no conflicts (2 of 4 stars). 2 submissions from 2 submitters: Uncertain significance (2). Last evaluated 2023-11-16.

Conditions:
Charcot-Marie-Tooth disease axonal type 2C (HMSN2C). Also called: CHARCOT-MARIE-TOOTH DISEASE, AXONAL, AUTOSOMAL DOMINANT, TYPE 2C; Charcot-Marie-Tooth Neuropathy Type 2C; Charcot-Marie-Tooth Disease Type 2, TRPV4-Related (CMT2C). Identifiers: Orphanet 99937, MedGen C1853710, MONDO:0011633, OMIM 606071.

Submissions (2):

Labcorp Genetics (formerly Invitae), Labcorp
Classification: Uncertain significance for Charcot-Marie-Tooth disease axonal type 2C. Last evaluated: 2023-11-16. Review status: criteria provided, single submitter. Criteria: Invitae Variant Classification Sherloc (09022015). Collection method: clinical testing. Allele origin: germline.
Comment: This sequence change replaces proline, which is neutral and non-polar, with leucine, which is neutral and non-polar, at codon 308 of the TRPV4 protein (p.Pro308Leu). This variant is not present in population databases (gnomAD no frequency). This variant has not been reported in the literature in individuals affected with TRPV4-related conditions. Advanced modeling of protein sequence and biophysical properties (such as structural, functional, and spatial information, amino acid conservation, physicochemical variation, residue mobility, and thermodynamic stability) has been performed at Invitae for this missense variant, however the output from this modeling did not meet the statistical confidence thresholds required to predict the impact of this variant on TRPV4 protein function. In summary, the available evidence is currently insufficient to determine the role of this variant in disease. Therefore, it has been classified as a Variant of Uncertain Significance.

Blueprint Genetics
Classification: Uncertain significance. Last evaluated: 2023-06-07. Review status: criteria provided, single submitter. Criteria: ACMG Guidelines, 2015. Collection method: clinical testing. Allele origin: germline.

NM_021625.5(TRPV4):c.923C>T (p.Pro308Leu)

Gene: TRPV4 (transient receptor potential cation channel subfamily V member 4; minus strand). Cytogenetic location: 12q24.11.
Variant type: single nucleotide variant.
Coding change: c.923C>T on transcript NM_021625.5 (MANE Select); coding-DNA position 923, C replaced by T.
Protein change: p.Pro308Leu; replaces proline 308 with leucine.
Molecular consequence: missense variant.
Genome position (GRCh38, 1-based): chr12:109,798,843, G>A on the plus strand (C>T on the coding strand, the complement: TRPV4 is on the minus strand). VCF-style: chr12-109798843-G-A. GRCh37 (hg19) VCF-style: chr12-110236648-G-A.
Other names: c.782C>T, p.Pro261Leu (NM_001177428.2, NM_001177433.2); c.821C>T, p.Pro274Leu (NM_001177431.2); c.923C>T, p.Pro308Leu (NM_147204.3); short protein forms P308L, P261L, P274L.
Identifiers: ClinVar variation 2731195 (VCV002731195.4), dbSNP rs2548750322, ClinGen allele CA386654985.